The following is an entry in ClinVar:

ClinVar aggregate classification (germline): Likely pathogenic (1 of 4 stars; one submission).

Conditions:
Autosomal recessive polycystic kidney disease (ARPKD). Also called: AR polycystic kidney disease. Identifiers: Orphanet 731, Orphanet 8378, MedGen C0085548, MeSH D017044, MONDO:0009889.

Submission:

Natera, Inc.
Classification: Likely pathogenic for Autosomal recessive polycystic kidney disease. Last evaluated: 2025-07-11. Review status: criteria provided, single submitter. Criteria: Natera Variant Classification Schema (03/2026). Collection method: clinical testing. Allele origin: germline.
Comment: The c.4530del variant in PKHD1 is a frameshift variant predicted to shift the reading frame beginning at codon 1511 and leads to a stop codon 18 codons downstream. This variant is expected to result in nonsense mediated decay, truncation, or a dysfunctional protein product. This variant is rare in the general population with a frequency below the threshold expected for the associated phenotype(s). Given the available evidence, this variant is classified as Likely Pathogenic.

NM_138694.4(PKHD1):c.4530del (p.Thr1511fs)

Gene: PKHD1 (PKHD1 ciliary IPT domain containing fibrocystin/polyductin; minus strand). Cytogenetic location: 6p12.2.
Variant type: Deletion.
Coding change: c.4530del on transcript NM_138694.4 (MANE Select); coding-DNA position 4530, one base deleted (C; older notation c.4530delC).
Protein change: p.Thr1511fs; shifts the reading frame from threonine 1511.
Molecular consequence: frameshift variant.
Genome position (GRCh38, 1-based): chr6:52,025,280, G deleted on the plus strand (C on the coding strand, the reverse complement: PKHD1 is on the minus strand); the first of 2 consecutive G bases (chr6:52,025,280-52,025,281); deleting either gives the same sequence. VCF-style (leftmost placement, unchanged base first): chr6-52025279-TG-T. GRCh37 (hg19) VCF-style: chr6-51890077-TG-T.
Other names: c.4530del, p.Thr1511fs (NM_170724.3); short protein forms T1511fs.
Identifiers: ClinVar variation 4816667 (VCV004816667.1).